The following is an entry in ClinVar:

ClinVar aggregate classification (germline): Conflicting classifications of pathogenicity. Review status: criteria provided, conflicting classifications (1 of 4 stars). 10 submissions from 9 submitters: Uncertain significance (4); Likely benign (4). 2 of the submissions do not count toward it. Last evaluated 2026-08-01.

Conditions:
Stickler syndrome type 2 (STL2). Also called: STICKLER SYNDROME, TYPE II; STICKLER SYNDROME, BEADED VITREOUS TYPE; STICKLER SYNDROME, VITREOUS TYPE 2; COL11A1-Related Stickler Syndrome. Identifiers: Orphanet 828, Orphanet 90654, MedGen C1858084, MONDO:0011493, OMIM 604841.
Fibrochondrogenesis 1 (FBCG1). Identifiers: Orphanet 2021, MedGen C3278138, MONDO:0009226, OMIM 228520.
Marshall syndrome (MRSHS). Identifiers: Orphanet 560, MedGen C0265235, MONDO:0007949, OMIM 154780.

Allele frequency attached by ClinVar (database versions not stated): 1000 Genomes Project 30x 0.00031; 1000 Genomes Project 0.00040; TOPMed 0.00061; gnomAD 0.00064; gnomAD exomes 0.00064 and 0.00077; ExAC 0.00076; ESP Exome Variant Server 0.00092.
gnomAD v4.1: 1,200 of 1,613,124 alleles (0.074%); highest among the groups gnomAD compares: Non-Finnish European, 0.096%; no homozygotes.

Submissions (10):

CeGaT Center for Human Genetics Tuebingen
Classification: Likely benign. Last evaluated: 2026-08-01. Review status: criteria provided, single submitter. Criteria: CeGaT Center For Human Genetics Tuebingen Variant Classification Criteria Version 2. Collection method: clinical testing. Allele origin: germline. Affected: yes. Observed: 2 variant alleles.
Comment: COL11A1: BP4

Labcorp Genetics (formerly Invitae), Labcorp
Classification: Likely benign. Last evaluated: 2026-01-24. Review status: criteria provided, single submitter. Criteria: Invitae Variant Classification Sherloc (09022015). Collection method: clinical testing. Allele origin: germline.

Blueprint Genetics
Classification: Likely benign. Last evaluated: 2024-11-07. Review status: criteria provided, single submitter. Criteria: ACMG Guidelines, 2015. Collection method: clinical testing. Allele origin: germline.

Women's Health and Genetics/Laboratory Corporation of America, LabCorp
Classification: Uncertain significance. Last evaluated: 2024-06-19. Review status: criteria provided, single submitter. Criteria: LabCorp Variant Classification Summary - May 2015. Collection method: clinical testing. Allele origin: germline.
Comment: Variant summary: COL11A1 c.3811G>T (p.Val1271Leu) results in a conservative amino acid change in the encoded protein sequence. Five of five in-silico tools predict a benign effect of the variant on protein function. The variant allele was found at a frequency of 0.00064 in 251318 control chromosomes. This frequency is not significantly higher than estimated for a pathogenic variant in COL11A1 causing Stickler Syndrome, allowing no conclusion about variant significance. To our knowledge, no occurrence of c.3811G>T in individuals affected with Stickler Syndrome and no experimental evidence demonstrating its impact on protein function have been reported. ClinVar contains an entry for this variant (Variation ID: 197911). Based on the evidence outlined above, the variant was classified as uncertain significance.

GeneDx
Classification: Uncertain significance. Last evaluated: 2021-10-14. Review status: criteria provided, single submitter. Criteria: GeneDx Variant Classification Process June 2021. Collection method: clinical testing. Allele origin: germline. Affected: yes.
Comment: Has not been previously published as pathogenic or benign to our knowledge; In silico analysis supports that this missense variant does not alter protein structure/function; Reported in ClinVar (ClinVar Variant ID# 197911; Landrum et al., 2016)

Illumina Laboratory Services, Illumina
Classification: Likely benign for Stickler syndrome type 2. Last evaluated: 2018-01-13. Review status: criteria provided, single submitter. Criteria: ICSL Variant Classification Criteria 13 December 2019. Collection method: clinical testing. Allele origin: germline.
Comment: This variant was observed in the ICSL laboratory as part of a predisposition screen in an ostensibly healthy population. It had not been previously curated by ICSL or reported in the Human Gene Mutation Database (HGMD: prior to June 1st, 2018), and was therefore a candidate for classification through an automated scoring system. Utilizing variant allele frequency, disease prevalence and penetrance estimates, and inheritance mode, an automated score was calculated to assess if this variant is too frequent to cause the disease. Based on the score and internal cut-off values, a variant classified as likely benign is not then subjected to further curation. The score for this variant resulted in a classification of likely benign for this disease.

Illumina Laboratory Services, Illumina
Classification: Uncertain significance for Fibrochondrogenesis 1. Last evaluated: 2018-01-13. Review status: criteria provided, single submitter. Criteria: ICSL Variant Classification Criteria 13 December 2019. Collection method: clinical testing. Allele origin: germline.

Eurofins Ntd Llc (ga)
Classification: Uncertain significance. Last evaluated: 2015-05-21. Review status: criteria provided, single submitter. Criteria: EGL Classification Definitions 2015. Collection method: clinical testing. Allele origin: germline. Observed: 2 variant alleles, 2 heterozygotes.

Clinical Genetics DNA and cytogenetics Diagnostics Lab, Erasmus MC, Erasmus Medical Center
Classification: Likely benign. Review status: no assertion criteria provided. Collection method: clinical testing. Allele origin: germline. Affected: yes. Study: VKGL Data-share Consensus. Not counted in ClinVar's aggregate classification.

Clinical Genetics, Academic Medical Center
Classification: Likely benign. Review status: no assertion criteria provided. Collection method: clinical testing. Allele origin: germline. Affected: yes. Study: VKGL Data-share Consensus. Not counted in ClinVar's aggregate classification.

NM_001854.4(COL11A1):c.3811G>T (p.Val1271Leu)

Gene: COL11A1 (collagen type XI alpha 1 chain; minus strand). Cytogenetic location: 1p21.1.
Variant type: single nucleotide variant.
Coding change: c.3811G>T on transcript NM_001854.4 (MANE Select); coding-DNA position 3811, G replaced by T.
Protein change: p.Val1271Leu; replaces valine 1271 with leucine.
Molecular consequence: missense variant. On other transcripts: non-coding transcript variant (1).
Genome position (GRCh38, 1-based): chr1:102,915,636, C>A on the plus strand (G>T on the coding strand, the complement: COL11A1 is on the minus strand). VCF-style: chr1-102915636-C-A. GRCh37 (hg19) VCF-style: chr1-103381192-C-A.
Other names: c.3694G>T, p.Val1232Leu (NM_001190709.2); c.3847G>T, p.Val1283Leu (NM_080629.3); c.3463G>T, p.Val1155Leu (NM_080630.4); short protein forms V1283L, V1271L, V1155L, V1232L.
Identifiers: ClinVar variation 197911 (VCV000197911.42), dbSNP rs150669855, ClinGen allele CA246297.